The following is an entry in ClinVar:

NM_001371727.1(GABRB2):c.93T>A (p.Ser31Arg)

Gene: GABRB2 (gamma-aminobutyric acid type A receptor subunit beta2; minus strand). Cytogenetic location: 5q34.
Variant type: single nucleotide variant.
Coding change: c.93T>A on transcript NM_001371727.1 (MANE Select); coding-DNA position 93, T replaced by A.
Protein change: p.Ser31Arg; replaces serine 31 with arginine.
Molecular consequence: missense variant.
Genome position (GRCh38, 1-based): chr5:161,546,398, A>T on the plus strand (T>A on the coding strand, the complement: GABRB2 is on the minus strand). VCF-style: chr5-161546398-A-T. GRCh37 (hg19) VCF-style: chr5-160973404-A-T.
Other names: c.93T>A, p.Ser31Arg (NM_000813.3, NM_021911.3); short protein forms S31R.
Identifiers: ClinVar variation 3683729 (VCV003683729.2).

ClinVar aggregate classification (germline): Uncertain significance (1 of 4 stars; one submission).

Conditions:
Intellectual disability. Also called: Intellectual developmental disorder; Intellectual functioning disability; intellectual disabilities. Identifiers: MedGen C3714756, MeSH D008607, MONDO:0001071, HP:0001249.

Submission:

Labcorp Genetics (formerly Invitae), Labcorp
Classification: Uncertain significance for Intellectual disability. Last evaluated: 2024-10-21. Review status: criteria provided, single submitter. Criteria: Invitae Variant Classification Sherloc (09022015). Collection method: clinical testing. Allele origin: germline.
Comment: This sequence change replaces serine, which is neutral and polar, with arginine, which is basic and polar, at codon 31 of the GABRB2 protein (p.Ser31Arg). This variant is not present in population databases (gnomAD no frequency). This variant has not been reported in the literature in individuals affected with GABRB2-related conditions. Invitae Evidence Modeling of protein sequence and biophysical properties (such as structural, functional, and spatial information, amino acid conservation, physicochemical variation, residue mobility, and thermodynamic stability) indicates that this missense variant is not expected to disrupt GABRB2 protein function with a negative predictive value of 95%. In summary, the available evidence is currently insufficient to determine the role of this variant in disease. Therefore, it has been classified as a Variant of Uncertain Significance.